The following is an entry in ClinVar:

NM_000548.5(TSC2):c.1717-15G>A

Gene: TSC2 (TSC complex subunit 2; plus strand). Cytogenetic location: 16p13.3.
Variant type: single nucleotide variant.
Coding change: c.1717-15G>A on transcript NM_000548.5 (MANE Select); 15 bases into the intron before coding-DNA position 1717, G replaced by A.
Molecular consequence: intron variant.
Genome position (GRCh38, 1-based): chr16:2,070,441, G>A. VCF-style: chr16-2070441-G-A. GRCh37 (hg19) VCF-style: chr16-2120442-G-A.
Other names: c.1717-15G>A (NM_001114382.3, NM_021055.3, NM_001370405.1 and 3 more transcripts); c.1606-15G>A (NM_001318827.2); c.1117-15G>A (NM_001318831.2); c.1570-15G>A (NM_001318829.2); c.1750-15G>A (NM_001318832.2).
Identifiers: ClinVar variation 385069 (VCV000385069.11), dbSNP rs372949465, ClinGen allele CA032781.

ClinVar aggregate classification (germline): Benign/Likely benign. Review status: criteria provided, multiple submitters, no conflicts (2 of 4 stars). 5 submissions from 5 submitters: Benign (1); Likely benign (4). Last evaluated 2026-01-11.

Conditions:
Tuberous sclerosis syndrome (TSC). Also called: Tuberous sclerosis; Tuberous Sclerosis Complex. Identifiers: Orphanet 805, MedGen C0041341, MONDO:0001734.
Tuberous sclerosis 2 (TSC2). Identifiers: Orphanet 805, MedGen C1860707, MONDO:0013199, OMIM 613254.

Allele frequency attached by ClinVar (database versions not stated): TOPMed 0.00002; ESP Exome Variant Server 0.00008.
gnomAD v4.1: 67 of 1,613,170 alleles (0.0042%); highest among the groups gnomAD compares: South Asian, 0.02%; no homozygotes.

Submissions (5):

Labcorp Genetics (formerly Invitae), Labcorp
Classification: Likely benign for Tuberous sclerosis 2. Last evaluated: 2026-01-11. Review status: criteria provided, single submitter. Criteria: Invitae Variant Classification Sherloc (09022015). Collection method: clinical testing. Allele origin: germline.

Myriad Genetics, Inc.
Classification: Benign for Tuberous sclerosis 2. Last evaluated: 2024-09-09. Review status: criteria provided, single submitter. Criteria: Myriad Autosomal Dominant, Autosomal Recessive and X-Linked Classification Criteria (2023). Collection method: clinical testing. Allele origin: unknown.
Comment: This variant is considered benign. This variant is intronic and is not expected to impact mRNA splicing. This variant has been observed at a population frequency that is significantly greater than expected given the associated disease prevalence and penetrance.

Blueprint Genetics
Classification: Likely benign. Last evaluated: 2024-01-17. Review status: criteria provided, single submitter. Criteria: ACMG Guidelines, 2015. Collection method: clinical testing. Allele origin: germline.

Color Diagnostics, LLC DBA Color Health
Classification: Likely benign for Tuberous sclerosis syndrome. Last evaluated: 2022-11-18. Review status: criteria provided, single submitter. Criteria: ACMG Guidelines, 2015. Collection method: clinical testing. Allele origin: germline.

GeneDx
Classification: Likely benign. Last evaluated: 2017-08-30. Review status: criteria provided, single submitter. Criteria: GeneDx Variant Classification (06012015). Collection method: clinical testing. Allele origin: germline. Affected: yes.
Comment: This variant is considered likely benign or benign based on one or more of the following criteria: it is a conservative change, it occurs at a poorly conserved position in the protein, it is predicted to be benign by multiple in silico algorithms, and/or has population frequency not consistent with disease.